The following is an entry in ClinVar:

NM_170606.3(KMT2C):c.10513A>G (p.Asn3505Asp)

Gene: KMT2C (lysine methyltransferase 2C; minus strand). Cytogenetic location: 7q36.1.
Variant type: single nucleotide variant.
Coding change: c.10513A>G on transcript NM_170606.3 (MANE Select); coding-DNA position 10513, A replaced by G.
Protein change: p.Asn3505Asp; replaces asparagine 3505 with aspartic acid.
Molecular consequence: missense variant.
Genome position (GRCh38, 1-based): chr7:152,163,064, T>C on the plus strand (A>G on the coding strand, the complement: KMT2C is on the minus strand). VCF-style: chr7-152163064-T-C. GRCh37 (hg19) VCF-style: chr7-151860149-T-C.
Other names: short protein forms N3505D.
Identifiers: ClinVar variation 134784 (VCV000134784.25), dbSNP rs140626076, ClinGen allele CA160739.
Genomic context (GRCh38, chr7:152,163,064, plus strand): 5'-CAACAGGGATTGATGGTGAATCAGGAACAAATGAAGGAGGGCCTACCTGCCTTCGCTCAT[T>C]AGTCTGCATGAAAGTTTGGGTGGAGGGTGAATTAATTGATCCTTGTTGTATATTCTGCTG-3'
Protein context (NP_733751.2, residues 3495-3515): SPSTQTFMQT[Asn3505Asp]ERRQVGPPSF

ClinVar aggregate classification (germline): Conflicting classifications of pathogenicity. Review status: criteria provided, conflicting classifications (1 of 4 stars). 6 submissions from 6 submitters: Uncertain significance (1); Benign (1); Likely benign (1). 3 of the submissions do not count toward it. Last evaluated 2025-02-01.

Conditions:
KMT2C-related disorder. Also called: KMT2C-related condition; KMT2C-related disorders.
Kleefstra syndrome 2 (KLEFS2). Identifiers: MedGen C4540395, MONDO:0054701, OMIM 617768.
Intellectual disability. Also called: Intellectual developmental disorder; Intellectual functioning disability; intellectual disabilities. Identifiers: MedGen C3714756, MeSH D008607, MONDO:0001071, HP:0001249.

Allele frequency attached by ClinVar (database versions not stated): ExAC 0.00014; ESP Exome Variant Server 0.00015; gnomAD exomes 0.00016 and 0.00019; gnomAD 0.00033 and 0.00036; TOPMed 0.00043; 1000 Genomes Project 0.00060; 1000 Genomes Project 30x 0.00062.
gnomAD v4.1: 305 of 1,614,240 alleles (0.019%); highest among the groups gnomAD compares: Middle Eastern, 0.12%; no homozygotes.

Submissions (6):

CeGaT Center for Human Genetics Tuebingen
Classification: Likely benign. Last evaluated: 2025-02-01. Review status: criteria provided, single submitter. Criteria: CeGaT Center For Human Genetics Tuebingen Variant Classification Criteria Version 2. Collection method: clinical testing. Allele origin: germline. Affected: yes. Observed: 1 variant allele.
Comment: KMT2C: BS1

Labcorp Genetics (formerly Invitae), Labcorp
Classification: Benign. Last evaluated: 2025-01-06. Review status: criteria provided, single submitter. Criteria: Invitae Variant Classification Sherloc (09022015). Collection method: clinical testing. Allele origin: germline.

Revvity Omics, Revvity
Classification: Uncertain significance for Kleefstra syndrome 2. Last evaluated: 2019-12-07. Review status: criteria provided, single submitter. Criteria: ACMG Guidelines, 2015. Collection method: clinical testing. Allele origin: germline.

PreventionGenetics, part of Exact Sciences
Classification: Likely benign for KMT2C-related condition. Last evaluated: 2023-09-08. Review status: no assertion criteria provided. Collection method: clinical testing. Allele origin: germline. Not counted in ClinVar's aggregate classification.
Comment: This variant is classified as likely benign based on ACMG/AMP sequence variant interpretation guidelines (Richards et al. 2015 PMID: 25741868, with internal and published modifications).

Centre de Biologie Pathologie Génétique, Centre Hospitalier Universitaire de Lille
Classification: Likely benign for Intellectual disability. Last evaluated: 2019-01-01. Review status: no assertion criteria provided. Collection method: clinical testing. Allele origin: inherited. Affected: yes. Not counted in ClinVar's aggregate classification.

ITMI
No classification provided. Condition: AllHighlyPenetrant. Last evaluated: 2013-09-19. Review status: no classification provided. Collection method: reference population. Allele origin: germline. Not counted in ClinVar's aggregate classification.
Comment: Please see associated publication for description of ethnicities

Literature cited by the submitters: PubMed 24728327 (cited by ITMI).